The following is an entry in ClinVar:

ClinVar aggregate classification (germline): Uncertain significance. Review status: criteria provided, multiple submitters, no conflicts (2 of 4 stars). 2 submissions from 2 submitters: Uncertain significance (2). Last evaluated 2024-08-07.

Conditions:
Inborn genetic diseases. Identifiers: MedGen C0950123, MeSH D030342.

Submissions (2):

Labcorp Genetics (formerly Invitae), Labcorp
Classification: Uncertain significance. Last evaluated: 2024-08-07. Review status: criteria provided, single submitter. Criteria: Invitae Variant Classification Sherloc (09022015). Collection method: clinical testing. Allele origin: germline.
Comment: This sequence change replaces serine, which is neutral and polar, with proline, which is neutral and non-polar, at codon 521 of the NEDD4L protein (p.Ser521Pro). This variant is not present in population databases (gnomAD no frequency). This variant has not been reported in the literature in individuals affected with NEDD4L-related conditions. Advanced modeling of protein sequence and biophysical properties (such as structural, functional, and spatial information, amino acid conservation, physicochemical variation, residue mobility, and thermodynamic stability) performed at Invitae indicates that this missense variant is not expected to disrupt NEDD4L protein function with a negative predictive value of 80%. In summary, the available evidence is currently insufficient to determine the role of this variant in disease. Therefore, it has been classified as a Variant of Uncertain Significance.

Ambry Genetics
Classification: Uncertain significance for Inborn genetic diseases. Last evaluated: 2024-07-30. Review status: criteria provided, single submitter. Criteria: Ambry Variant Classification Scheme 2023. Collection method: clinical testing. Allele origin: germline.

NM_001144967.3(NEDD4L):c.1621T>C (p.Ser541Pro)

Gene: NEDD4L (NEDD4 like E3 ubiquitin protein ligase; plus strand). Cytogenetic location: 18q21.31.
Variant type: single nucleotide variant.
Coding change: c.1621T>C on transcript NM_001144967.3 (MANE Select); coding-DNA position 1621, T replaced by C.
Protein change: p.Ser541Pro; replaces serine 541 with proline.
Molecular consequence: missense variant.
Genome position (GRCh38, 1-based): chr18:58,349,582, T>C. VCF-style: chr18-58349582-T-C. GRCh37 (hg19) VCF-style: chr18-56016814-T-C.
Other names: c.1561T>C (NM_015277.5); c.1258T>C, p.Ser420Pro (NM_001144964.1, NM_001144965.2, NM_001144966.3); c.1597T>C, p.Ser533Pro (NM_001144968.2); c.1537T>C, p.Ser513Pro (NM_001144969.2); c.1198T>C, p.Ser400Pro (NM_001144970.3, NM_001144971.2); c.1429T>C, p.Ser477Pro (NM_001243960.2); c.1561T>C, p.Ser521Pro (NM_015277.6); short protein forms S533P, S400P, S420P, S477P, S521P, S541P, S513P.
Identifiers: ClinVar variation 2981099 (VCV002981099.4), dbSNP rs2043604405, ClinGen allele CA402540071.